The following is an entry in ClinVar:

ClinVar aggregate classification (germline): Pathogenic/Likely pathogenic. Review status: criteria provided, multiple submitters, no conflicts (2 of 4 stars). 2 submissions from 2 submitters: Pathogenic (1); Likely pathogenic (1). Last evaluated 2026-01-21.

Allele frequency attached by ClinVar (database versions not stated): gnomAD exomes below 0.00001; TOPMed 0.00001; gnomAD 0.00001.
gnomAD v4.1: 7 of 1,183,054 alleles (0.00059%); highest among the groups gnomAD compares: Non-Finnish European, 0.00076%; no homozygotes.

Submissions (2):

Labcorp Genetics (formerly Invitae), Labcorp
Classification: Likely pathogenic. Last evaluated: 2026-01-21. Review status: criteria provided, single submitter. Criteria: Invitae Variant Classification Sherloc (09022015). Collection method: clinical testing. Allele origin: germline.
Comment: This sequence change falls in intron 4 of the GHR gene. It does not directly change the encoded amino acid sequence of the GHR protein. RNA analysis indicates that this variant induces altered splicing and may result in an absent or altered protein product. This variant is not present in population databases (gnomAD no frequency). This variant has been observed in individual(s) with growth hormone insensitivity syndrome (PMID: 24296660). It has also been observed to segregate with disease in related individuals. ClinVar contains an entry for this variant (Variation ID: 2203644). Studies have shown that this variant results in activation of a cryptic splice site, and produces a non-functional protein and/or introduces a premature termination codon (PMID: 24296660). In summary, the currently available evidence indicates that the variant is pathogenic, but additional data are needed to prove that conclusively. Therefore, this variant has been classified as Likely Pathogenic.

GeneDx
Classification: Pathogenic. Last evaluated: 2025-06-04. Review status: criteria provided, single submitter. Criteria: GeneDx Variant Classification Process June 2021. Collection method: clinical testing. Allele origin: germline.
Comment: Published functional studies demonstrate variant results in abnormal splicing and early protein termination (PMID: 24296660); Observed with a second GHR variant in a patient with suspected GH or IGF insensitivity in published literature (PMID: 28870985); In silico analysis suggests this variant may impact gene splicing; No data available from control populations to assess the frequency of this variant; This variant is associated with the following publications: (PMID: 24296660, 29748515, 28870985)

Literature cited by the submitters: PubMed 24296660 (cited by Labcorp Genetics (formerly Invitae), Labcorp).

NM_000163.5(GHR):c.266+83G>T

Gene: GHR (growth hormone receptor; plus strand). Cytogenetic location: 5p12.
Variant type: single nucleotide variant.
Coding change: c.266+83G>T on transcript NM_000163.5 (MANE Select); 83 bases into the intron after coding-DNA position 266, G replaced by T.
Molecular consequence: intron variant.
Genome position (GRCh38, 1-based): chr5:42,689,102, G>T. VCF-style: chr5-42689102-G-T. GRCh37 (hg19) VCF-style: chr5-42689204-G-T.
Other names: c.200+83G>T (NM_001242460.2); c.266+83G>T (NM_001242400.2, NM_001242401.4, NM_001242402.2 and 5 more transcripts); c.287+83G>T (NM_001242399.2).
Identifiers: ClinVar variation 2203644 (VCV002203644.6), dbSNP rs1405926633, ClinGen allele CA810823455.